The following is an entry in ClinVar:

NM_001145809.2(MYH14):c.4358_4539+1687delinsAGGGGAGGAGG

Gene: MYH14 (myosin heavy chain 14; plus strand). Cytogenetic location: 19q13.33.
Variant type: Indel.
Coding change: c.4358_4539+1687delinsAGGGGAGGAGG on transcript NM_001145809.2 (MANE Select); coding-DNA position 4358 through 1687 bases into the intron after coding-DNA position 4539, the reference bases replaced by AGGGGAGGAGG.
Molecular consequence: splice donor variant.
Genome position (GRCh38, 1-based): chr19:50,281,661-50,283,529, 1,869 bases replaced. GRCh37 (hg19): chr19:50,784,918-50,786,786.
Other names: p.Arg1412_Gln1472delinsGlnGlyArgArg; c.4259_4440+1687delinsAGGGGAGGAGG (NM_001077186.2); c.4235_4416+1687delinsAGGGGAGGAGG (NM_024729.4).
Identifiers: ClinVar variation 2683515 (VCV002683515.1), ClinGen allele CA2697556653.

ClinVar aggregate classification (germline): Uncertain significance (1 of 4 stars; one submission).

Submission:

Mayo Clinic Laboratories, Mayo Clinic
Classification: Uncertain significance. Last evaluated: 2022-11-15. Review status: criteria provided, single submitter. Criteria: ACMG Guidelines, 2015. Collection method: clinical testing. Allele origin: germline. Observed: 1 variant allele.
Comment: PM2